The following is an entry in ClinVar:

NM_012448.4(STAT5B):c.135A>G (p.Ser45=)

Gene: STAT5B (signal transducer and activator of transcription 5B; minus strand). Cytogenetic location: 17q21.2.
Variant type: single nucleotide variant.
Coding change: c.135A>G on transcript NM_012448.4 (MANE Select); coding-DNA position 135, A replaced by G.
Protein change: p.Ser45=; no amino-acid change (serine 45 retained).
Molecular consequence: synonymous variant.
Genome position (GRCh38, 1-based): chr17:42,227,679, T>C on the plus strand (A>G on the coding strand, the complement: STAT5B is on the minus strand). VCF-style: chr17-42227679-T-C. GRCh37 (hg19) VCF-style: chr17-40379697-T-C.
Identifiers: ClinVar variation 2901008 (VCV002901008.5), dbSNP rs1308669737, ClinGen allele CA500061899.

ClinVar aggregate classification (germline): Conflicting classifications of pathogenicity. Review status: criteria provided, conflicting classifications (1 of 4 stars). 3 submissions from 3 submitters: Uncertain significance (1); Likely benign (2). Last evaluated 2024-06-19.

Conditions:
Growth hormone insensitivity with immune dysregulation 1, autosomal recessive. Also called: GROWTH HORMONE INSENSITIVITY SYNDROME WITH IMMUNE DYSREGULATION 1, AUTOSOMAL RECESSIVE; GROWTH HORMONE INSENSITIVITY DUE TO POSTRECEPTOR DEFECT; LARON SYNDROME DUE TO POSTRECEPTOR DEFECT; Laron syndrome with immunodeficiency. Identifiers: Orphanet 220465, MedGen C5435698, MONDO:0100211, OMIM 245590.

Allele frequency attached by ClinVar (database versions not stated): gnomAD exomes below 0.00001.

Submissions (3):

Women's Health and Genetics/Laboratory Corporation of America, LabCorp
Classification: Likely benign. Last evaluated: 2024-06-19. Review status: criteria provided, single submitter. Criteria: LabCorp Variant Classification Summary - May 2015. Collection method: clinical testing. Allele origin: germline.
Comment: Variant summary: STAT5B c.135A>G alters a non-conserved nucleotide resulting in a synonymous change. Consensus agreement among computation tools predict no significant impact on normal splicing. However, these predictions have yet to be confirmed by functional studies. The variant was absent in 251298 control chromosomes. The available data on variant occurrences in the general population are insufficient to allow any conclusion about variant significance. To our knowledge, no occurrence of c.135A>G in individuals affected with Growth Hormone Insensitivity Syndrome With Immune Dysregulation 2, Autosomal Dominant and no experimental evidence demonstrating its impact on protein function have been reported. ClinVar contains an entry for this variant (Variation ID: 2901008). Based on the evidence outlined above, the variant was classified as likely benign.

Labcorp Genetics (formerly Invitae), Labcorp
Classification: Uncertain significance for Growth hormone insensitivity with immune dysregulation 1, autosomal recessive. Last evaluated: 2023-03-03. Review status: criteria provided, single submitter. Criteria: Invitae Variant Classification Sherloc (09022015). Collection method: clinical testing. Allele origin: germline.
Comment: This sequence change affects codon 45 of the STAT5B mRNA. It is a 'silent' change, meaning that it does not change the encoded amino acid sequence of the STAT5B protein. This variant is not present in population databases (gnomAD no frequency). In summary, the available evidence is currently insufficient to determine the role of this variant in disease. Therefore, it has been classified as a Variant of Uncertain Significance. Algorithms developed to predict the effect of sequence changes on RNA splicing suggest that this variant may disrupt the consensus splice site. This variant has not been reported in the literature in individuals affected with STAT5B-related conditions.

Blueprint Genetics
Classification: Likely benign. Last evaluated: 2022-08-02. Review status: criteria provided, single submitter. Criteria: ACMG Guidelines, 2015. Collection method: clinical testing. Allele origin: germline.